The following is an entry in ClinVar:

ClinVar aggregate classification (germline): Pathogenic (1 of 4 stars; one submission).

Conditions:
Bloom syndrome (BLM). Also called: Bloom-Torre-Machacek syndrome. Identifiers: Orphanet 125, MedGen C0005859, MONDO:0008876, OMIM 210900.

Submission:

Labcorp Genetics (formerly Invitae), Labcorp
Classification: Pathogenic for Bloom syndrome. Last evaluated: 2021-01-12. Review status: criteria provided, single submitter. Criteria: Invitae Variant Classification Sherloc (09022015). Collection method: clinical testing. Allele origin: germline.
Comment: For these reasons, this variant has been classified as Pathogenic. Algorithms developed to predict the effect of sequence changes on RNA splicing suggest that this variant may create or strengthen a splice site, but this prediction has not been confirmed by published transcriptional studies. This variant has not been reported in the literature in individuals with BLM-related conditions. This variant is not present in population databases (ExAC no frequency). This sequence change creates a premature translational stop signal (p.Leu608Phefs*30) in the BLM gene. It is expected to result in an absent or disrupted protein product. Loss-of-function variants in BLM are known to be pathogenic (PMID: 17407155).

Literature cited by the submitters: PubMed 17407155.

NM_000057.4(BLM):c.1820_1821insCTTCCAGTGTCTGGAAGTAGATGACACT (p.Leu608fs)

Gene: BLM (BLM RecQ like helicase; plus strand). Cytogenetic location: 15q26.1.
Variant type: Insertion.
Coding change: c.1820_1821insCTTCCAGTGTCTGGAAGTAGATGACACT on transcript NM_000057.4 (MANE Select); coding-DNA positions 1820 to 1821, CTTCCAGTGTCTGGAAGTAGATGACACT inserted.
Protein change: p.Leu608fs; shifts the reading frame from leucine 608.
Molecular consequence: frameshift variant.
Genome position: GRCh38 VCF-style: chr15-90761193-G-GCTTCCAGTGTCTGGAAGTAGATGACACT. GRCh37 (hg19) VCF-style: chr15-91304423-G-GCTTCCAGTGTCTGGAAGTAGATGACACT.
Other names: c.1820_1821insCTTCCAGTGTCTGGAAGTAGATGACACT, p.Leu608fs (NM_001287246.2, NM_001287247.2); c.695_696insCTTCCAGTGTCTGGAAGTAGATGACACT, p.Leu233fs (NM_001287248.2); short protein forms L608fs, L233fs.
Identifiers: ClinVar variation 1450966 (VCV001450966.6), dbSNP rs2151159067, ClinGen allele CA2573151484.